The following is an entry in ClinVar:

ClinVar aggregate classification (germline): Uncertain significance (1 of 4 stars; one submission).

gnomAD v4.1: 4 of 1,613,812 alleles (0.00025%); highest among the groups gnomAD compares: Non-Finnish European, 0.00034%; no homozygotes.

Submission:

Labcorp Genetics (formerly Invitae), Labcorp
Classification: Uncertain significance. Last evaluated: 2019-06-28. Review status: criteria provided, single submitter. Criteria: Invitae Variant Classification Sherloc (09022015). Collection method: clinical testing. Allele origin: germline.
Comment: In summary, the available evidence is currently insufficient to determine the role of this variant in disease. Therefore, it has been classified as a Variant of Uncertain Significance. Nucleotide substitutions within the consensus splice site are a relatively common cause of aberrant splicing (PMID: 17576681, 9536098). Algorithms developed to predict the effect of sequence changes on RNA splicing suggest that this variant may disrupt the consensus splice site, but this prediction has not been confirmed by published transcriptional studies. This variant has not been reported in the literature in individuals with POLE-related disease. This variant is not present in population databases (ExAC no frequency). This sequence change falls in intron 39 of the POLE gene. It does not directly change the encoded amino acid sequence of the POLE protein, but it affects a nucleotide within the consensus splice site of the intron.

Literature cited by the submitters: PubMed 17576681; PubMed 9536098.

NM_006231.4(POLE):c.5379-3C>A

Gene: POLE (DNA polymerase epsilon, catalytic subunit; minus strand). Cytogenetic location: 12q24.33.
Variant type: single nucleotide variant.
Coding change: c.5379-3C>A on transcript NM_006231.4 (MANE Select); 3 bases into the intron before coding-DNA position 5379, C replaced by A.
Molecular consequence: intron variant.
Genome position (GRCh38, 1-based): chr12:132,639,301, G>T on the plus strand (C>A on the coding strand, the complement: POLE is on the minus strand). VCF-style: chr12-132639301-G-T. GRCh37 (hg19) VCF-style: chr12-133215887-G-T.
Identifiers: ClinVar variation 582127 (VCV000582127.10), dbSNP rs1415497701, ClinGen allele CA891843958.
Genomic context (GRCh38, chr12:132,639,301, plus strand): 5'-GATGTTGTGGTACTGGGTGATCTCCTTCACCCAGCCCACGACCATGCTCTTCAGGATCCT[G>T]AAAGAGAAGGTGCACGACACCCTCGTACCCTCAGCCTCCCACGCTGCTGCCACGCGGGAC-3'